The following is an entry in ClinVar:

ClinVar aggregate classification (germline): Uncertain significance (1 of 4 stars; one submission).

Submission:

Labcorp Genetics (formerly Invitae), Labcorp
Classification: Uncertain significance. Last evaluated: 2022-01-03. Review status: criteria provided, single submitter. Criteria: Invitae Variant Classification Sherloc (09022015). Collection method: clinical testing. Allele origin: germline.
Comment: This sequence change replaces glutamine, which is neutral and polar, with proline, which is neutral and non-polar, at codon 222 of the CFAP298 protein (p.Gln222Pro). This variant is not present in population databases (gnomAD no frequency). This variant has not been reported in the literature in individuals affected with CFAP298-related conditions. Algorithms developed to predict the effect of missense changes on protein structure and function are either unavailable or do not agree on the potential impact of this missense change (SIFT: "Deleterious"; PolyPhen-2: "Benign"; Align-GVGD: "Class C15"). In summary, the available evidence is currently insufficient to determine the role of this variant in disease. Therefore, it has been classified as a Variant of Uncertain Significance.

NM_021254.4(CFAP298):c.665A>C (p.Gln222Pro)

Genes: CFAP298-TCP10L (CFAP298-TCP10L readthrough; minus strand), CFAP298 (cilia and flagella associated protein 298; minus strand). Cytogenetic location: 21q22.11.
Variant type: single nucleotide variant.
Coding change: c.665A>C on transcript NM_021254.4 (MANE Select); coding-DNA position 665, A replaced by C.
Protein change: p.Gln222Pro; replaces glutamine 222 with proline.
Molecular consequence: missense variant. On other transcripts: non-coding transcript variant (2).
Genome position (GRCh38, 1-based): chr21:32,603,162, T>G on the plus strand (A>C on the coding strand, the complement: CFAP298 is on the minus strand). VCF-style: chr21-32603162-T-G. GRCh37 (hg19) VCF-style: chr21-33975472-T-G.
Other names: c.665A>C, p.Gln222Pro (NM_001350338.2, NM_001350335.2, NM_001350336.2 and 1 more transcripts); c.368A>C, p.Gln123Pro (NM_001350334.2); short protein forms Q222P, Q123P.
Identifiers: ClinVar variation 2071614 (VCV002071614.1), dbSNP rs2517189140, ClinGen allele CA410073246.